The following is an entry in ClinVar:

NM_001374828.1(ARID1B):c.656A>G (p.Asn219Ser)

Genes: ARID1B (AT-rich interaction domain 1B; plus strand), LOC115308161 (uncharacterized LOC115308161; minus strand). Cytogenetic location: 6q25.3.
Variant type: single nucleotide variant.
Coding change: c.656A>G on transcript NM_001374828.1 (MANE Select); coding-DNA position 656, A replaced by G.
Protein change: p.Asn219Ser; replaces asparagine 219 with serine.
Molecular consequence: missense variant. On other transcripts: non-coding transcript variant (1).
Genome position (GRCh38, 1-based): chr6:156,778,336, A>G. VCF-style: chr6-156778336-A-G. GRCh37 (hg19) VCF-style: chr6-157099470-A-G.
Other names: c.407A>G, p.Asn136Ser (NM_001346813.1, NM_020732.3); c.656A>G, p.Asn219Ser (NM_001371656.1, NM_001374820.1, NM_017519.3); c.233A>G, p.Asn78Ser (NM_175863.2); short protein forms N136S, N219S, N78S.
Identifiers: ClinVar variation 2905495 (VCV002905495.3), dbSNP rs769645555, ClinGen allele CA4066675.

ClinVar aggregate classification (germline): Uncertain significance (1 of 4 stars; one submission).

Allele frequency attached by ClinVar (database versions not stated): gnomAD exomes 0.00001; TOPMed 0.00003; ExAC 0.00074.
gnomAD v4.1: 10 of 1,542,662 alleles (0.00065%); highest among the groups gnomAD compares: African/African-American, 0.0082%; no homozygotes.

Submission:

Labcorp Genetics (formerly Invitae), Labcorp
Classification: Uncertain significance. Last evaluated: 2024-04-10. Review status: criteria provided, single submitter. Criteria: Invitae Variant Classification Sherloc (09022015). Collection method: clinical testing. Allele origin: germline.
Comment: This sequence change replaces asparagine, which is neutral and polar, with serine, which is neutral and polar, at codon 136 of the ARID1B protein (p.Asn136Ser). This variant is present in population databases (rs769645555, gnomAD 0.009%). This variant has not been reported in the literature in individuals affected with ARID1B-related conditions. Experimental studies and prediction algorithms are not available or were not evaluated, and the functional significance of this variant is currently unknown. In summary, the available evidence is currently insufficient to determine the role of this variant in disease. Therefore, it has been classified as a Variant of Uncertain Significance.